The following is an entry in ClinVar:

ClinVar aggregate classification (germline): Uncertain significance (1 of 4 stars; one submission).

Conditions:
Primary ciliary dyskinesia. Also called: Ciliary dyskinesia. Identifiers: Orphanet 244, MedGen C0008780, MONDO:0016575, HP:0012265.

Allele frequency attached by ClinVar (database versions not stated): ExAC 0.00001; gnomAD exomes 0.00001.
gnomAD v4.1: 9 of 1,614,088 alleles (0.00056%); highest among the groups gnomAD compares: South Asian, 0.0077%; no homozygotes.

Submission:

Ambry Genetics
Classification: Uncertain significance for Primary ciliary dyskinesia. Last evaluated: 2023-03-07. Review status: criteria provided, single submitter. Criteria: Ambry Variant Classification Scheme 2023. Collection method: clinical testing. Allele origin: germline.
Comment: The p.I2896V variant (also known as c.8686A>G), located in coding exon 52 of the DNAH5 gene, results from an A to G substitution at nucleotide position 8686. The isoleucine at codon 2896 is replaced by valine, an amino acid with highly similar properties. This amino acid position is conserved. In addition, this alteration is predicted to be tolerated by in silico analysis. Since supporting evidence is limited at this time, the clinical significance of this alteration remains unclear.

NM_001369.3(DNAH5):c.8686A>G (p.Ile2896Val)

Gene: DNAH5 (dynein axonemal heavy chain 5; minus strand). Cytogenetic location: 5p15.2.
Variant type: single nucleotide variant.
Coding change: c.8686A>G on transcript NM_001369.3 (MANE Select); coding-DNA position 8686, A replaced by G.
Protein change: p.Ile2896Val; replaces isoleucine 2896 with valine.
Molecular consequence: missense variant.
Genome position (GRCh38, 1-based): chr5:13,786,313, T>C on the plus strand (A>G on the coding strand, the complement: DNAH5 is on the minus strand). VCF-style: chr5-13786313-T-C. GRCh37 (hg19) VCF-style: chr5-13786422-T-C.
Other names: short protein forms I2896V.
Identifiers: ClinVar variation 2451392 (VCV002451392.2), dbSNP rs781484224, ClinGen allele CA3202763.
Genomic context (GRCh38, chr5:13,786,313, plus strand): 5'-GCTGCAGGAACATATTCAGACGCTCTTTTAGGTGACTAAAAGATTCAATTGGCTCATAAA[T>C]TTTAGGTGTTTCAGCATCAGCCTCTTCAGATGTTTCACCTTTGGTGGGAAATAAGAATCA-3'
Protein context (NP_001360.1, residues 2886-2906): SEEADAETPK[Ile2896Val]YEPIESFSHL